The following is an entry in ClinVar:

ClinVar aggregate classification (germline): Likely benign (1 of 4 stars; one submission).

gnomAD v4.1: 1 of 1,527,526 alleles (0.000065%); highest among the groups gnomAD compares: Non-Finnish European, 0.000087%; no homozygotes.

Submission:

CeGaT Center for Human Genetics Tuebingen
Classification: Likely benign. Last evaluated: 2022-05-01. Review status: criteria provided, single submitter. Criteria: CeGaT Center For Human Genetics Tuebingen Variant Classification Criteria Version 2. Collection method: clinical testing. Allele origin: germline. Affected: yes. Observed: 1 variant allele.
Comment: TBCE: PM2:Supporting, BP4, BP7

NM_003193.5(TBCE):c.661-1190T>C

Gene: TBCE (tubulin folding cofactor E; plus strand). Cytogenetic location: 1q42.3.
Variant type: single nucleotide variant.
Coding change: c.661-1190T>C on transcript NM_003193.5 (MANE Select); 1190 bases into the intron before coding-DNA position 661, T replaced by C.
Molecular consequence: intron variant. On other transcripts: synonymous variant (1).
Genome position (GRCh38, 1-based): chr1:235,433,014, T>C. VCF-style: chr1-235433014-T-C. GRCh37 (hg19) VCF-style: chr1-235596329-T-C.
Other names: c.729T>C, p.Asp243= (NM_001287801.2); c.661-1190T>C (NM_001079515.3); c.322-1190T>C (NM_001287802.2).
Identifiers: ClinVar variation 2640094 (VCV002640094.24), dbSNP rs2527021492, ClinGen allele CA423766618.
Genomic context (GRCh38, chr1:235,433,014, plus strand): 5'-GCAGTGTGGTGGCAGCAGGCACGGTCTCGACATGCAGAAAGACGCCAGCAAGTTCGTGGA[T>C]CTGTGCGTGCTGCAGAAATGCTCCACCAGCAACTGCATCATCAGTGCCAAGGACCACACA-3'